The following is an entry in ClinVar:

ClinVar aggregate classification (germline): Likely pathogenic (1 of 4 stars; one submission).

Conditions:
Chronic granulomatous disease. Identifiers: Orphanet 379, MedGen C0018203, MONDO:0018305.

Submission:

Natera, Inc.
Classification: Likely pathogenic for Chronic granulomatous disease. Last evaluated: 2024-10-03. Review status: criteria provided, single submitter. Criteria: Natera Variant Classification Schema (03/2026). Collection method: clinical testing. Allele origin: germline.
Comment: The c.571_*16del variant in CYBA is a frameshift variant predicted to shift the reading frame and introduce a stop codon. This variant may result in a truncated or dysfunctional protein product. This variant is rare in the general population with a frequency below the threshold expected for the associated phenotype(s). Given the available evidence, this variant is classified as Likely Pathogenic.

NM_000101.4(CYBA):c.571_*16del (p.Thr191fs)

Gene: CYBA (cytochrome b-245 alpha chain; minus strand). Cytogenetic location: 16q24.2.
Variant type: Deletion.
Coding change: c.571_*16del on transcript NM_000101.4 (MANE Select); coding-DNA position 571 through 16 bases downstream of the stop codon, 34 bases deleted.
Protein change: p.Thr191fs; shifts the reading frame from threonine 191.
Molecular consequence: frameshift variant.
Genome position (GRCh38, 1-based): chr16:88,643,337-88,643,370, 34 bases deleted; deleting any 34 consecutive bases within chr16:88,643,337-88,643,372 gives the same sequence; the c. name uses the placement nearest the transcript's 3' end. GRCh37 (hg19): chr16:88,709,747-88,709,780.
Other names: short protein forms T191fs.
Identifiers: ClinVar variation 4817431 (VCV004817431.1).
Genomic context (GRCh38, chr16:88,643,336, plus strand): 5'-GAGGCTCACGCGCTCCCGGCTTCGCTGCATTTATTGCAGGTGGGTGCACCTGGCGGGAGG[GCAGGTCCGGGGCGAGGTCACACGACCTCGTCGGT>G]CACCGGGATGGGGTTGACCTGGGGACCTCCCGGGGGTCCCCCCGCCGCCACCGCAGCCTC-3'